The following is an entry in ClinVar:

NM_000186.4(CFH):c.34_40del (p.Trp13fs)

Gene: CFH (complement factor H; plus strand). Cytogenetic location: 1q31.3.
Variant type: Deletion.
Coding change: c.34_40del on transcript NM_000186.4 (MANE Select); coding-DNA positions 34 to 40, 7 bases deleted (TTATGGG; older notation c.34_40delTTATGGG).
Protein change: p.Trp13fs; shifts the reading frame from tryptophan 13.
Molecular consequence: frameshift variant.
Genome position (GRCh38, 1-based): chr1:196,652,151-196,652,157, TTATGGG deleted; deleting any 7 consecutive bases within chr1:196,652,150-196,652,157 gives the same sequence; the c. name uses the placement nearest the transcript's 3' end. VCF-style (leftmost placement, unchanged base first): chr1-196652149-TGTTATGG-T. GRCh37 (hg19) VCF-style: chr1-196621279-TGTTATGG-T.
Other names: c.34_40del, p.Trp13fs (NM_001014975.3); short protein forms W13fs.
Identifiers: ClinVar variation 5038095 (VCV005038095.1).

ClinVar aggregate classification (germline): Likely pathogenic (1 of 4 stars; one submission).

Conditions:
Hemolytic uremic syndrome, atypical, susceptibility to, 1. Also called: AHUS, SUSCEPTIBILITY TO, 1. Identifiers: Orphanet 2134, Orphanet 90038, MedGen C2749604, MONDO:0009335, OMIM 235400. Disease mechanism: Other.

Submission:

MVZ Medizinische Genetik Mainz
Classification: Likely pathogenic for Hemolytic uremic syndrome, atypical, susceptibility to, 1. Last evaluated: 2026-07-03. Review status: criteria provided, single submitter. Criteria: UK Practice Guidelines For Variant Classification V4 01 2020. Collection method: clinical testing. Allele origin: germline. Inheritance: Autosomal dominant inheritance. Affected: yes. Observed: 1 variant allele.
Comment: ACMG Criteria: PVS1,PM2_SUP